The following is an entry in ClinVar:

NM_000245.4(MET):c.527T>C (p.Val176Ala)

Gene: MET (MET proto-oncogene, receptor tyrosine kinase; plus strand). Cytogenetic location: 7q31.2.
Variant type: single nucleotide variant.
Coding change: c.527T>C on transcript NM_000245.4 (MANE Select); coding-DNA position 527, T replaced by C.
Protein change: p.Val176Ala; replaces valine 176 with alanine.
Molecular consequence: missense variant. On other transcripts: intron variant (1).
Genome position (GRCh38, 1-based): chr7:116,699,611, T>C. VCF-style: chr7-116699611-T-C. GRCh37 (hg19) VCF-style: chr7-116339665-T-C.
Other names: c.527T>C, p.Val176Ala (NM_001127500.3, NM_001324401.3); c.-91+27034T>C (NM_001324402.2); short protein forms V176A.
Identifiers: ClinVar variation 1056543 (VCV001056543.11), dbSNP rs1343674412, ClinGen allele CA368969280.

ClinVar aggregate classification (germline): Uncertain significance. Review status: criteria provided, multiple submitters, no conflicts (2 of 4 stars). 3 submissions from 3 submitters: Uncertain significance (3). Last evaluated 2025-09-05.

Conditions:
Hereditary cancer-predisposing syndrome. Also called: Hereditary Cancer Syndrome; Tumor predisposition; Hereditary neoplastic syndrome; Neoplastic Syndromes, Hereditary. Identifiers: Orphanet 140162, MedGen C0027672, MeSH D009386, MONDO:0015356.
Renal cell carcinoma. Identifiers: Orphanet 217071, MedGen C0007134, MeSH D002292, MONDO:0005086, HP:0005584.

Allele frequency attached by ClinVar (database versions not stated): TOPMed below 0.00001; gnomAD 0.00001.
gnomAD v4.1: 1 of 1,613,900 alleles (0.000062%); highest among the groups gnomAD compares: Non-Finnish European, 0.000085%; no homozygotes.

Submissions (3):

Labcorp Genetics (formerly Invitae), Labcorp
Classification: Uncertain significance for Renal cell carcinoma. Last evaluated: 2025-09-05. Review status: criteria provided, single submitter. Criteria: Invitae Variant Classification Sherloc (09022015). Collection method: clinical testing. Allele origin: germline.
Comment: This sequence change replaces valine, which is neutral and non-polar, with alanine, which is neutral and non-polar, at codon 176 of the MET protein (p.Val176Ala). This variant is not present in population databases (gnomAD no frequency). This variant has not been reported in the literature in individuals affected with MET-related conditions. ClinVar contains an entry for this variant (Variation ID: 1056543). Invitae Evidence Modeling of protein sequence and biophysical properties (such as structural, functional, and spatial information, amino acid conservation, physicochemical variation, residue mobility, and thermodynamic stability) has been performed for this missense variant. However, the output from this modeling did not meet the statistical confidence thresholds required to predict the impact of this variant on MET protein function. In summary, the available evidence is currently insufficient to determine the role of this variant in disease. Therefore, it has been classified as a Variant of Uncertain Significance.

Ambry Genetics
Classification: Uncertain significance for Hereditary cancer-predisposing syndrome. Last evaluated: 2025-05-11. Review status: criteria provided, single submitter. Criteria: Ambry Variant Classification Scheme 2023. Collection method: clinical testing. Allele origin: germline.
Comment: The p.V176A variant (also known as c.527T>C), located in coding exon 1 of the MET gene, results from a T to C substitution at nucleotide position 527. The valine at codon 176 is replaced by alanine, an amino acid with similar properties. This amino acid position is well conserved in available vertebrate species. In addition, this alteration is predicted to be tolerated by in silico analysis. Since supporting evidence is limited at this time, the clinical significance of this alteration remains unclear.

GeneDx
Classification: Uncertain significance. Last evaluated: 2024-03-01. Review status: criteria provided, single submitter. Criteria: GeneDx Variant Classification Process June 2021. Collection method: clinical testing. Allele origin: germline. Affected: yes.
Comment: Not observed at significant frequency in large population cohorts (gnomAD); In silico analysis supports that this missense variant has a deleterious effect on protein structure/function; Has not been previously published as pathogenic or benign to our knowledge